The following is an entry in ClinVar:

ClinVar aggregate classification (germline): Pathogenic. Review status: criteria provided, multiple submitters, no conflicts (2 of 4 stars). 2 submissions from 2 submitters: Pathogenic (2). Last evaluated 2026-01-12.

Conditions:
Cutis laxa with osteodystrophy (ARCL2A). Also called: Debré-Type Cutis Laxa; CUTIS LAXA WITH CONGENITAL DISORDER OF GLYCOSYLATION; CUTIS LAXA, AUTOSOMAL RECESSIVE, TYPE IIA; Autosomal recessive cutis laxa type 2A; CUTIS LAXA WITH BONE DYSTROPHY; CUTIS LAXA WITH GROWTH AND DEVELOPMENTAL DELAY. Identifiers: Orphanet 357058, MedGen C0268355, MONDO:0018163, OMIM 219200. Disease mechanism: loss of function.
Wrinkly skin syndrome (WSS). Also called: Type of Gerodermia osteodysplastica. Identifiers: Orphanet 2834, MedGen C0406587, MONDO:0010208, OMIM 278250.
ALG9 congenital disorder of glycosylation (CDG1L). Also called: CONGENITAL DISORDER OF GLYCOSYLATION, TYPE Il; CDG Il; ALG9-CDG. Identifiers: Orphanet 79328, MedGen C2931006, MONDO:0012117, OMIM 608776.

Submissions (2):

Labcorp Genetics (formerly Invitae), Labcorp
Classification: Pathogenic for ALG9 congenital disorder of glycosylation. Last evaluated: 2026-01-12. Review status: criteria provided, single submitter. Criteria: Invitae Variant Classification Sherloc (09022015). Collection method: clinical testing. Allele origin: germline.
Comment: This sequence change creates a premature translational stop signal (p.Arg133delinsThrCys*) in the ATP6V0A2 gene. It is expected to result in an absent or disrupted protein product. Loss-of-function variants in ATP6V0A2 are known to be pathogenic (PMID: 18157129, 19321599). This variant is present in population databases (rs767257316, gnomAD 0.002%). This premature translational stop signal has been observed in individual(s) with cutis laxa (PMID: 19321599). This variant is also known as c.397_398insCATGCTGA. ClinVar contains an entry for this variant (Variation ID: 2137448). For these reasons, this variant has been classified as Pathogenic.

Fulgent Genetics
Classification: Pathogenic for Cutis laxa with osteodystrophy; Wrinkly skin syndrome. Last evaluated: 2024-06-20. Review status: criteria provided, single submitter. Criteria: ACMG Guidelines, 2015. Collection method: clinical testing. Allele origin: germline.

Literature cited by the submitters: PubMed 18157129 (cited by Labcorp Genetics (formerly Invitae), Labcorp); PubMed 19321599 (cited by Labcorp Genetics (formerly Invitae), Labcorp).

NM_012463.4(ATP6V0A2):c.390_397dup (p.Arg133delinsThrCysTer)

Gene: ATP6V0A2 (ATPase H+ transporting V0 subunit a2; plus strand). Cytogenetic location: 12q24.31.
Variant type: Duplication.
Coding change: c.390_397dup on transcript NM_012463.4 (MANE Select); coding-DNA positions 390 to 397, 8 bases duplicated (CATGCTGA; older notation c.390_397dupCATGCTGA).
Protein change: p.Arg133delinsThrCysTer.
Molecular consequence: nonsense.
Genome position (GRCh38, 1-based): chr12:123,724,749-123,724,756, CATGCTGA duplicated; duplicating any 8 consecutive bases within chr12:123,724,748-123,724,756 gives the same sequence; the c. name uses the placement nearest the transcript's 3' end. VCF-style (leftmost placement, unchanged base first): chr12-123724747-C-CACATGCTG. GRCh37 (hg19) VCF-style: chr12-124209294-C-CACATGCTG.
Identifiers: ClinVar variation 2137448 (VCV002137448.5), dbSNP rs767257316, ClinGen allele CA6861591.
Genomic context (GRCh38, chr12:123,724,747, plus strand): 5'-GAAGTCACTAAGAACAAGGAGAAACTGAGGAAAAACTTGCTGGAACTGATAGAGTACACT[C>CACATGCTG]ACATGCTGAGAGTGACAAAGACCTTTGTGAAACGCAATGTTGAGGTACTGAACAGCTCGT-3'